The following is an entry in ClinVar:

ClinVar aggregate classification (germline): Likely benign. Review status: criteria provided, multiple submitters, no conflicts (2 of 4 stars). 3 submissions from 3 submitters: Likely benign (3). Last evaluated 2025-04-09.

Conditions:
Hereditary cancer-predisposing syndrome. Also called: Hereditary neoplastic syndrome; Tumor predisposition; Hereditary Cancer Syndrome; Neoplastic Syndromes, Hereditary. Identifiers: Orphanet 140162, MedGen C0027672, MeSH D009386, MONDO:0015356.
Familial cancer of breast. Also called: Hereditary breast cancer; hereditary breast carcinoma; BREAST CANCER, FAMILIAL. Identifiers: Orphanet 227535, MedGen C0346153, MONDO:0016419, OMIM 114480. Disease mechanism: loss of function.

Allele frequency attached by ClinVar (database versions not stated): TOPMed below 0.00001; gnomAD exomes 0.00001.
gnomAD v4.1: 10 of 1,568,242 alleles (0.00064%); highest among the groups gnomAD compares: Non-Finnish European, 0.00088%; no homozygotes.

Submissions (3):

Labcorp Genetics (formerly Invitae), Labcorp
Classification: Likely benign for Familial cancer of breast. Last evaluated: 2025-04-09. Review status: criteria provided, single submitter. Criteria: Invitae Variant Classification Sherloc (09022015). Collection method: clinical testing. Allele origin: germline.

Myriad Genetics, Inc.
Classification: Likely benign for Familial cancer of breast. Last evaluated: 2024-10-03. Review status: criteria provided, single submitter. Criteria: Myriad Autosomal Dominant, Autosomal Recessive and X-Linked Classification Criteria (2023). Collection method: clinical testing. Allele origin: unknown.
Comment: This variant is considered likely benign. This variant is intronic and is not expected to impact mRNA splicing.

Color Diagnostics, LLC DBA Color Health
Classification: Likely benign for Hereditary cancer-predisposing syndrome. Last evaluated: 2016-12-08. Review status: criteria provided, single submitter. Criteria: ACMG Guidelines, 2015. Collection method: clinical testing. Allele origin: germline.

NM_007194.4(CHEK2):c.684-16T>C

Gene: CHEK2 (checkpoint kinase 2; minus strand). Cytogenetic location: 22q12.1.
Variant type: single nucleotide variant.
Coding change: c.684-16T>C on transcript NM_007194.4 (MANE Select); 16 bases into the intron before coding-DNA position 684, T replaced by C.
Molecular consequence: intron variant.
Genome position (GRCh38, 1-based): chr22:28,712,033, A>G on the plus strand (T>C on the coding strand, the complement: CHEK2 is on the minus strand). VCF-style: chr22-28712033-A-G. GRCh37 (hg19) VCF-style: chr22-29108021-A-G.
Other names: c.21-16T>C (NM_001437942.1, NM_001257387.3); c.483-16T>C (NM_001349956.3); c.684-16T>C (NM_145862.3); c.777-16T>C (NM_001438295.1, NM_001438293.1); c.813-16T>C (NM_001438294.1, NM_001005735.3).
Identifiers: ClinVar variation 491630 (VCV000491630.13), dbSNP rs1056041546, ClinGen allele CA323022384.